The following is an entry in ClinVar:

NM_001367624.2(ZNF469):c.1084C>T (p.His362Tyr)

Gene: ZNF469 (zinc finger protein 469; plus strand). Cytogenetic location: 16q24.2.
Variant type: single nucleotide variant.
Coding change: c.1084C>T on transcript NM_001367624.2 (MANE Select); coding-DNA position 1084, C replaced by T.
Protein change: p.His362Tyr; replaces histidine 362 with tyrosine.
Molecular consequence: missense variant.
Genome position (GRCh38, 1-based): chr16:88,428,554, C>T. VCF-style: chr16-88428554-C-T. GRCh37 (hg19) VCF-style: chr16-88494962-C-T.
Other names: short protein forms H362Y.
Identifiers: ClinVar variation 2148958 (VCV002148958.3), dbSNP rs554839262, ClinGen allele CA8224657.
Genomic context (GRCh38, chr16:88,428,554, plus strand): 5'-CCAGGTGGCCTGAACCGCCACAGCGACCTCAGTGGTGCCCTCTCTTCCCCTGGAGCTGCT[C>T]ACTCGGCCCCGAGACCCTTCTCTGACAGTTTACACAAGAGCCTGACCAAAATCCTTCCCG-3'
Protein context (NP_001354553.1, residues 352-372): SGALSSPGAA[His362Tyr]SAPRPFSDSL

ClinVar aggregate classification (germline): Uncertain significance (1 of 4 stars; one submission).

Allele frequency attached by ClinVar (database versions not stated): TOPMed below 0.00001; gnomAD exomes 0.00001; gnomAD 0.00002; ExAC 0.00013; 1000 Genomes Project 30x 0.00031; 1000 Genomes Project 0.00040.
gnomAD v4.1: 7 of 1,550,164 alleles (0.00045%); highest among the groups gnomAD compares: Admixed American, 0.0059%; no homozygotes.

Submission:

Labcorp Genetics (formerly Invitae), Labcorp
Classification: Uncertain significance. Last evaluated: 2024-04-22. Review status: criteria provided, single submitter. Criteria: Invitae Variant Classification Sherloc (09022015). Collection method: clinical testing. Allele origin: germline.
Comment: This sequence change replaces histidine, which is basic and polar, with tyrosine, which is neutral and polar, at codon 362 of the ZNF469 protein (p.His362Tyr). This variant is present in population databases (rs554839262, gnomAD 0.004%). This variant has not been reported in the literature in individuals affected with ZNF469-related conditions. ClinVar contains an entry for this variant (Variation ID: 2148958). An algorithm developed to predict the effect of missense changes on protein structure and function (PolyPhen-2) suggests that this variant is likely to be tolerated. In summary, the available evidence is currently insufficient to determine the role of this variant in disease. Therefore, it has been classified as a Variant of Uncertain Significance.